The following is an entry in ClinVar:

ClinVar aggregate classification (germline): Uncertain significance (1 of 4 stars; one submission).

Allele frequency attached by ClinVar (database versions not stated): gnomAD exomes 0.00001; TOPMed 0.00002.
gnomAD v4.1: 19 of 1,614,150 alleles (0.0012%); highest among the groups gnomAD compares: East Asian, 0.0067%; no homozygotes.

Submission:

Labcorp Genetics (formerly Invitae), Labcorp
Classification: Uncertain significance. Last evaluated: 2022-06-23. Review status: criteria provided, single submitter. Criteria: Invitae Variant Classification Sherloc (09022015). Collection method: clinical testing. Allele origin: germline.
Comment: This sequence change replaces arginine, which is basic and polar, with histidine, which is basic and polar, at codon 51 of the SLC27A4 protein (p.Arg51His). This variant is present in population databases (no rsID available, gnomAD 0.01%). This missense change has been observed in individual(s) with clinical features of ichthyosis prematurity syndrome (Invitae). In at least one individual the data is consistent with being in trans (on the opposite chromosome) from a pathogenic variant. Algorithms developed to predict the effect of missense changes on protein structure and function are either unavailable or do not agree on the potential impact of this missense change (SIFT: "Deleterious"; PolyPhen-2: "Probably Damaging"; Align-GVGD: "Class C0"). In summary, the available evidence is currently insufficient to determine the role of this variant in disease. Therefore, it has been classified as a Variant of Uncertain Significance.

NM_005094.4(SLC27A4):c.152G>A (p.Arg51His)

Gene: SLC27A4 (solute carrier family 27 member 4; plus strand). Cytogenetic location: 9q34.11.
Variant type: single nucleotide variant.
Coding change: c.152G>A on transcript NM_005094.4 (MANE Select); coding-DNA position 152, G replaced by A.
Protein change: p.Arg51His; replaces arginine 51 with histidine.
Molecular consequence: missense variant.
Genome position (GRCh38, 1-based): chr9:128,343,284, G>A. VCF-style: chr9-128343284-G-A. GRCh37 (hg19) VCF-style: chr9-131105563-G-A.
Other names: short protein forms R51H.
Identifiers: ClinVar variation 2190005 (VCV002190005.1), dbSNP rs965117658, ClinGen allele CA200349213.